The following is an entry in ClinVar:

NM_000059.4(BRCA2):c.4595delinsGGGGC (p.Val1532fs)

Gene: BRCA2 (BRCA2 DNA repair associated; plus strand). Cytogenetic location: 13q13.1.
Variant type: Indel.
Coding change: c.4595delinsGGGGC on transcript NM_000059.4 (MANE Select); coding-DNA position 4595, T replaced by GGGGC.
Protein change: p.Val1532fs; shifts the reading frame from valine 1532.
Molecular consequence: frameshift variant. On other transcripts: non-coding transcript variant (1), intron variant (2).
Genome position (GRCh38, 1-based): chr13:32,338,950, T replaced by GGGGC. VCF-style: chr13-32338950-T-GGGGC. GRCh37 (hg19) VCF-style: chr13-32913087-T-GGGGC.
Other names: c.4595delinsGGGGC, p.Val1532fs (NM_001406719.1, NM_001406720.1, NM_001432077.1); c.1909+5563delinsGGGGC (NM_001406721.1); c.425-5608delinsGGGGC (NM_001406722.1); short protein forms V1532fs.
Identifiers: ClinVar variation 5042283 (VCV005042283.1).

ClinVar aggregate classification (germline): Pathogenic (1 of 4 stars; one submission).

Conditions:
Breast-ovarian cancer, familial, susceptibility to, 2 (BROVCA2). Also called: BRCA2 Hereditary Breast and Ovarian Cancer. Identifiers: Orphanet 145, MedGen C2675520, MONDO:0012933, OMIM 612555. Disease mechanism: loss of function.

Submission:

Myriad Genetics, Inc.
Classification: Pathogenic for Breast-ovarian cancer, familial, susceptibility to, 2. Last evaluated: 2026-09-09. Review status: criteria provided, single submitter. Criteria: Myriad Autosomal Dominant, Autosomal Recessive and X-Linked Classification Criteria (2023). Collection method: clinical testing. Allele origin: unknown.
Comment: This variant is considered pathogenic. This variant creates a frameshift predicted to result in premature protein truncation.